The following is an entry in ClinVar:

NM_000368.5(TSC1):c.2658A>G (p.Lys886=)

Gene: TSC1 (TSC complex subunit 1; minus strand). Cytogenetic location: 9q34.13.
Variant type: single nucleotide variant.
Coding change: c.2658A>G on transcript NM_000368.5 (MANE Select); coding-DNA position 2658, A replaced by G.
Protein change: p.Lys886=; no amino-acid change (lysine 886 retained).
Molecular consequence: synonymous variant.
Genome position (GRCh38, 1-based): chr9:132,897,578, T>C on the plus strand (A>G on the coding strand, the complement: TSC1 is on the minus strand). VCF-style: chr9-132897578-T-C. GRCh37 (hg19) VCF-style: chr9-135772965-T-C.
Other names: c.2655A>G, p.Lys885= (NM_001162426.2); c.2505A>G, p.Lys835= (NM_001162427.2); c.2295A>G, p.Lys765= (NM_001362177.2).
Identifiers: ClinVar variation 416658 (VCV000416658.18), dbSNP rs368212910, ClinGen allele CA034133.

ClinVar aggregate classification (germline): Benign/Likely benign. Review status: criteria provided, multiple submitters, no conflicts (2 of 4 stars). 6 submissions from 6 submitters: Benign (2); Likely benign (4). Last evaluated 2026-01-05.

Conditions:
Hereditary cancer-predisposing syndrome. Also called: Tumor predisposition; Neoplastic Syndromes, Hereditary; Hereditary Cancer Syndrome; Hereditary neoplastic syndrome. Identifiers: Orphanet 140162, MedGen C0027672, MeSH D009386, MONDO:0015356.
Tuberous sclerosis 1 (TSC1). Identifiers: Orphanet 805, MedGen C1854465, MONDO:0008612, OMIM 191100.

Allele frequency attached by ClinVar (database versions not stated): TOPMed below 0.00001; ExAC 0.00001; gnomAD 0.00001; gnomAD exomes 0.00001 and 0.00002; ESP Exome Variant Server 0.00008.
gnomAD v4.1: 26 of 1,597,812 alleles (0.0016%); highest among the groups gnomAD compares: Non-Finnish European, 0.0021%; no homozygotes.

Submissions (6):

Labcorp Genetics (formerly Invitae), Labcorp
Classification: Likely benign for Tuberous sclerosis 1. Last evaluated: 2026-01-05. Review status: criteria provided, single submitter. Criteria: Invitae Variant Classification Sherloc (09022015). Collection method: clinical testing. Allele origin: germline.

Myriad Genetics, Inc.
Classification: Benign for Tuberous sclerosis 1. Last evaluated: 2025-04-28. Review status: criteria provided, single submitter. Criteria: Myriad Autosomal Dominant, Autosomal Recessive and X-Linked Classification Criteria (2023). Collection method: clinical testing. Allele origin: unknown.
Comment: This variant is considered benign. This variant is a silent/synonymous amino acid change and it is not expected to impact splicing.

Genome-Nilou Lab
Classification: Benign for Tuberous sclerosis 1. Last evaluated: 2021-11-07. Review status: criteria provided, single submitter. Criteria: ACMG Guidelines, 2015. Collection method: clinical testing. Allele origin: germline. Affected: no.

Sema4
Classification: Likely benign for Hereditary cancer-predisposing syndrome. Last evaluated: 2021-03-04. Review status: criteria provided, single submitter. Criteria: Sema4 Curation Guidelines. Collection method: curation. Allele origin: germline.

GeneDx
Classification: Likely benign. Last evaluated: 2020-09-08. Review status: criteria provided, single submitter. Criteria: GeneDx Variant Classification Process June 2021. Collection method: clinical testing. Allele origin: germline. Affected: yes.

Ambry Genetics
Classification: Likely benign for Hereditary cancer-predisposing syndrome. Last evaluated: 2017-08-30. Review status: criteria provided, single submitter. Criteria: Ambry Variant Classification Scheme 2023. Collection method: clinical testing. Allele origin: germline.